The following is an entry in ClinVar:

ClinVar aggregate classification (germline): Uncertain significance (1 of 4 stars; one submission).

Submission:

Labcorp Genetics (formerly Invitae), Labcorp
Classification: Uncertain significance. Last evaluated: 2025-12-09. Review status: criteria provided, single submitter. Criteria: Invitae Variant Classification Sherloc (09022015). Collection method: clinical testing. Allele origin: germline.
Comment: This sequence change replaces serine, which is neutral and polar, with tryptophan, which is neutral and slightly polar, at codon 8 of the MRPS14 protein (p.Ser8Trp). This variant is present in population databases (rs761449663, gnomAD 0.04%). This variant has not been reported in the literature in individuals affected with MRPS14-related conditions. An algorithm developed to predict the effect of missense changes on protein structure and function (PolyPhen-2) suggests that this variant is likely to be tolerated. In summary, the available evidence is currently insufficient to determine the role of this variant in disease. Therefore, it has been classified as a Variant of Uncertain Significance.

NM_022100.3(MRPS14):c.23C>G (p.Ser8Trp)

Genes: MRPS14 (mitochondrial ribosomal protein S14; minus strand), LOC129931958 (ATAC-STARR-seq lymphoblastoid active region 2128; plus strand). Cytogenetic location: 1q25.1.
Variant type: single nucleotide variant.
Coding change: c.23C>G on transcript NM_022100.3 (MANE Select); coding-DNA position 23, C replaced by G.
Protein change: p.Ser8Trp; replaces serine 8 with tryptophan.
Molecular consequence: missense variant. On other transcripts: non-coding transcript variant (1).
Genome position (GRCh38, 1-based): chr1:175,023,386, G>C on the plus strand (C>G on the coding strand, the complement: MRPS14 is on the minus strand). VCF-style: chr1-175023386-G-C. GRCh37 (hg19) VCF-style: chr1-174992522-G-C.
Other names: short protein forms S8W.
Identifiers: ClinVar variation 4710070 (VCV004710070.1).